The following is an entry in ClinVar:

ClinVar aggregate classification (germline): Uncertain significance. Review status: criteria provided, multiple submitters, no conflicts (2 of 4 stars). 2 submissions from 2 submitters: Uncertain significance (2). Last evaluated 2025-12-15.

Conditions:
Inborn genetic diseases. Identifiers: MedGen C0950123, MeSH D030342.

Allele frequency attached by ClinVar (database versions not stated): gnomAD exomes 0.00001.
gnomAD v4.1: 8 of 1,614,160 alleles (0.0005%); highest among the groups gnomAD compares: Non-Finnish European, 0.00068%; no homozygotes.

Submissions (2):

Ambry Genetics
Classification: Uncertain significance for Inborn genetic diseases. Last evaluated: 2025-12-15. Review status: criteria provided, single submitter. Criteria: Ambry Variant Classification Scheme 2023. Collection method: clinical testing. Allele origin: germline.

GeneDx
Classification: Uncertain significance. Last evaluated: 2022-05-05. Review status: criteria provided, single submitter. Criteria: GeneDx Variant Classification Process June 2021. Collection method: clinical testing. Allele origin: germline. Affected: yes.
Comment: Not observed at significant frequency in large population cohorts (gnomAD); In silico analysis supports that this missense variant does not alter protein structure/function; Has not been previously published as pathogenic or benign to our knowledge

NM_001172509.2(SATB2):c.1590A>C (p.Glu530Asp)

Gene: SATB2 (SATB homeobox 2; minus strand). Cytogenetic location: 2q33.1.
Variant type: single nucleotide variant.
Coding change: c.1590A>C on transcript NM_001172509.2 (MANE Select); coding-DNA position 1590, A replaced by C.
Protein change: p.Glu530Asp; replaces glutamic acid 530 with aspartic acid.
Molecular consequence: missense variant.
Genome position (GRCh38, 1-based): chr2:199,308,910, T>G on the plus strand (A>C on the coding strand, the complement: SATB2 is on the minus strand). VCF-style: chr2-199308910-T-G. GRCh37 (hg19) VCF-style: chr2-200173633-T-G.
Other names: c.1590A>C, p.Glu530Asp (NM_001172517.1, NM_015265.4); short protein forms E530D.
Identifiers: ClinVar variation 1722999 (VCV001722999.3), dbSNP rs2468839238, ClinGen allele CA350384582.